The following is an entry in ClinVar:

ClinVar aggregate classification (germline): Uncertain significance (1 of 4 stars; one submission).

Allele frequency attached by ClinVar (database versions not stated): gnomAD exomes 0.00004; gnomAD 0.00005; TOPMed 0.00009; ExAC 0.00014.
gnomAD v4.1: 63 of 1,610,384 alleles (0.0039%); highest among the groups gnomAD compares: East Asian, 0.13%; no homozygotes.

Submission:

Ambry Genetics
Classification: Uncertain significance. Last evaluated: 2024-10-26. Review status: criteria provided, single submitter. Criteria: Ambry Variant Classification Scheme 2023. Collection method: clinical testing. Allele origin: germline.
Comment: The p.Q384L variant (also known as c.1151A>T), located in coding exon 8 of the POLQ gene, results from an A to T substitution at nucleotide position 1151. The glutamine at codon 384 is replaced by leucine, an amino acid with dissimilar properties. This amino acid position is conserved. In addition, this alteration is predicted to be tolerated by in silico analysis. Since supporting evidence is limited at this time, the clinical significance of this alteration remains unclear.

NM_199420.4(POLQ):c.1151A>T (p.Gln384Leu)

Gene: POLQ (DNA polymerase theta; minus strand). Cytogenetic location: 3q13.33.
Variant type: single nucleotide variant.
Coding change: c.1151A>T on transcript NM_199420.4 (MANE Select); coding-DNA position 1151, A replaced by T.
Protein change: p.Gln384Leu; replaces glutamine 384 with leucine.
Molecular consequence: missense variant.
Genome position (GRCh38, 1-based): chr3:121,522,107, T>A on the plus strand (A>T on the coding strand, the complement: POLQ is on the minus strand). VCF-style: chr3-121522107-T-A. GRCh37 (hg19) VCF-style: chr3-121240954-T-A.
Other names: short protein forms Q384L.
Identifiers: ClinVar variation 1734103 (VCV001734103.3), dbSNP rs201034298, ClinGen allele CA2563622.
Genomic context (GRCh38, chr3:121,522,107, plus strand): 5'-ACAGAGTCCAGTCCTGAAGGCAAACGTCTTAACTGATCCATCACTTCCAGGAGTTCTTTT[T>A]GTTCCAGAATTACTGGTGGGCATTCAGAGGGTTTCACCAATCCTGTCACAAAAAAATTAT-3'
Protein context (NP_955452.3, residues 374-394): PSECPPVILE[Gln384Leu]KELLEVMDQL